The following is an entry in ClinVar:

ClinVar aggregate classification (germline): Conflicting classifications of pathogenicity. Review status: criteria provided, conflicting classifications (1 of 4 stars). 2 submissions from 2 submitters: Likely pathogenic (1); Uncertain significance (1). Last evaluated 2023-05-04.

Conditions:
Hypogonadotropic hypogonadism 2 with or without anosmia (HH2). Also called: FGFR1-Related GnRH Deficiency (Kallmann Syndrome 2); HYPOGONADOTROPIC HYPOGONADISM 2 WITHOUT ANOSMIA; HYPOGONADOTROPIC HYPOGONADISM 2 WITH OR WITHOUT ANOSMIA, SUSCEPTIBILITY TO; HYPOGONADOTROPIC HYPOGONADISM 2 WITHOUT ANOSMIA, SUSCEPTIBILITY TO. Identifiers: Orphanet 478, MedGen C1563720, MONDO:0007844, OMIM 147950. Disease mechanism: loss of function.
Pfeiffer syndrome (ACS5). Also called: ACS V. Identifiers: Orphanet 710, MedGen C0220658, MONDO:0007043, OMIM 101600.

Submissions (2):

Reproductive Endocrine Unit, Massachusetts General Hospital
Classification: Likely pathogenic for Hypogonadotropic hypogonadism 2 with or without anosmia. Last evaluated: 2023-05-04. Review status: criteria provided, single submitter. Criteria: ACMG Guidelines, 2015. Collection method: research. Allele origin: inherited. Affected: yes. Observed: 1 variant allele.
Comment: The variant has been classified as LP2 based on the variant meeting the following ACMG Criteria: PS3,PM2,PP2.

Labcorp Genetics (formerly Invitae), Labcorp
Classification: Uncertain significance for Pfeiffer syndrome; Hypogonadotropic hypogonadism 2 with or without anosmia. Last evaluated: 2021-09-18. Review status: criteria provided, single submitter. Criteria: Invitae Variant Classification Sherloc (09022015). Collection method: clinical testing. Allele origin: germline.
Comment: In summary, the available evidence is currently insufficient to determine the role of this variant in disease. Therefore, it has been classified as a Variant of Uncertain Significance. Algorithms developed to predict the effect of sequence changes on RNA splicing suggest that this variant may create or strengthen a splice site. Algorithms developed to predict the effect of missense changes on protein structure and function (SIFT, PolyPhen-2, Align-GVGD) all suggest that this variant is likely to be tolerated. This missense change has been observed in individual(s) with clinical features of normosmic idiopathic hypogonadotropic hypogonadism (PMID: 16606836). This variant is not present in population databases (ExAC no frequency). This sequence change replaces asparagine with lysine at codon 724 of the FGFR1 protein (p.Asn724Lys). The asparagine residue is moderately conserved and there is a moderate physicochemical difference between asparagine and lysine.

Literature cited by the submitters: PubMed 16606836 (cited by Labcorp Genetics (formerly Invitae), Labcorp).

NM_023110.3(FGFR1):c.2172C>G (p.Asn724Lys)

Gene: FGFR1 (fibroblast growth factor receptor 1; minus strand). Cytogenetic location: 8p11.23.
Variant type: single nucleotide variant.
Coding change: c.2172C>G on transcript NM_023110.3 (MANE Select); coding-DNA position 2172, C replaced by G.
Protein change: p.Asn724Lys; replaces asparagine 724 with lysine.
Molecular consequence: missense variant.
Genome position (GRCh38, 1-based): chr8:38,414,166, G>C on the plus strand (C>G on the coding strand, the complement: FGFR1 is on the minus strand). VCF-style: chr8-38414166-G-C. GRCh37 (hg19) VCF-style: chr8-38271684-G-C.
Other names: N724K; c.2166C>G, p.Asn722Lys (NM_001174063.2, NM_001174065.2, NM_001354367.2 and 1 more transcripts); c.2142C>G, p.Asn714Lys (NM_001174064.2); c.1905C>G, p.Asn635Lys (NM_001174066.2, NM_023105.3); c.2265C>G, p.Asn755Lys (NM_001174067.2); c.1893C>G, p.Asn631Lys (NM_001354368.2); c.2160C>G, p.Asn720Lys (NM_001354369.2); c.1899C>G, p.Asn633Lys (NM_001354370.2, NM_023106.3); short protein forms N635K, N714K, N755K, N633K, N720K, N631K, N722K.
Identifiers: ClinVar variation 242708 (VCV000242708.9), dbSNP rs267606806, ClinGen allele CA045386.